The following is an entry in ClinVar:

NM_198576.4(AGRN):c.6071G>A (p.Arg2024Gln)

Gene: AGRN (agrin; plus strand). Cytogenetic location: 1p36.33.
Variant type: single nucleotide variant.
Coding change: c.6071G>A on transcript NM_198576.4 (MANE Select); coding-DNA position 6071, G replaced by A.
Protein change: p.Arg2024Gln; replaces arginine 2024 with glutamine.
Molecular consequence: missense variant.
Genome position (GRCh38, 1-based): chr1:1,054,914, G>A. VCF-style: chr1-1054914-G-A. GRCh37 (hg19) VCF-style: chr1-990294-G-A.
Other names: c.6140G>A, p.Arg2047Gln (NM_001305275.2); c.5768G>A, p.Arg1923Gln (NM_001364727.2); c.6071G>A (NM_198576.3); short protein forms R2047Q, R1923Q, R2024Q.
Identifiers: ClinVar variation 2037821 (VCV002037821.3), dbSNP rs941729916, ClinGen allele CA16706897.

ClinVar aggregate classification (germline): Uncertain significance. Review status: criteria provided, multiple submitters, no conflicts (2 of 4 stars). 3 submissions from 3 submitters: Uncertain significance (3). Last evaluated 2025-03-28.

Conditions:
Congenital myasthenic syndrome 8. Also called: Myasthenic syndrome, congenital, 8, with pre- and postsynaptic defects; MYASTHENIC SYNDROME, CONGENITAL, DUE TO AGRIN DEFICIENCY. Identifiers: Orphanet 590, MedGen C3808739, MONDO:0014052, OMIM 615120.

Allele frequency attached by ClinVar (database versions not stated): gnomAD 0.00002; gnomAD exomes 0.00003; TOPMed 0.00003.
gnomAD v4.1: 41 of 1,548,540 alleles (0.0026%); highest among the groups gnomAD compares: Admixed American, 0.0039%; no homozygotes.

Submissions (3):

Revvity Omics, Revvity
Classification: Uncertain significance for Congenital myasthenic syndrome 8. Last evaluated: 2025-03-28. Review status: criteria provided, single submitter. Criteria: ACMG Guidelines, 2015. Collection method: clinical testing. Allele origin: germline.

GeneDx
Classification: Uncertain significance. Last evaluated: 2022-10-03. Review status: criteria provided, single submitter. Criteria: GeneDx Variant Classification Process June 2021. Collection method: clinical testing. Allele origin: germline. Affected: yes.
Comment: Not observed at significant frequency in large population cohorts (gnomAD); In silico analysis supports that this missense variant does not alter protein structure/function; Has not been previously published as pathogenic or benign to our knowledge

Labcorp Genetics (formerly Invitae), Labcorp
Classification: Uncertain significance for Congenital myasthenic syndrome 8. Last evaluated: 2022-09-01. Review status: criteria provided, single submitter. Criteria: Invitae Variant Classification Sherloc (09022015). Collection method: clinical testing. Allele origin: germline.
Comment: This sequence change replaces arginine, which is basic and polar, with glutamine, which is neutral and polar, at codon 2024 of the AGRN protein (p.Arg2024Gln). The frequency data for this variant in the population databases is considered unreliable, as metrics indicate poor data quality at this position in the gnomAD database. This variant has not been reported in the literature in individuals affected with AGRN-related conditions. Algorithms developed to predict the effect of missense changes on protein structure and function output the following: SIFT: "Tolerated"; PolyPhen-2: "Benign"; Align-GVGD: "Class C0". The glutamine amino acid residue is found in multiple mammalian species, which suggests that this missense change does not adversely affect protein function. In summary, the available evidence is currently insufficient to determine the role of this variant in disease. Therefore, it has been classified as a Variant of Uncertain Significance.